The following is an entry in ClinVar:

ClinVar aggregate classification (germline): Uncertain significance (1 of 4 stars; one submission).

Submission:

Labcorp Genetics (formerly Invitae), Labcorp
Classification: Uncertain significance. Last evaluated: 2023-10-13. Review status: criteria provided, single submitter. Criteria: Invitae Variant Classification Sherloc (09022015). Collection method: clinical testing. Allele origin: germline.
Comment: This sequence change replaces tyrosine, which is neutral and polar, with cysteine, which is neutral and slightly polar, at codon 1378 of the SNRNP200 protein (p.Tyr1378Cys). This variant is not present in population databases (gnomAD no frequency). This variant has not been reported in the literature in individuals affected with SNRNP200-related conditions. ClinVar contains an entry for this variant (Variation ID: 1386872). Advanced modeling of protein sequence and biophysical properties (such as structural, functional, and spatial information, amino acid conservation, physicochemical variation, residue mobility, and thermodynamic stability) has been performed at Invitae for this missense variant, however the output from this modeling did not meet the statistical confidence thresholds required to predict the impact of this variant on SNRNP200 protein function. In summary, the available evidence is currently insufficient to determine the role of this variant in disease. Therefore, it has been classified as a Variant of Uncertain Significance.

NM_014014.5(SNRNP200):c.4133A>G (p.Tyr1378Cys)

Gene: SNRNP200 (small nuclear ribonucleoprotein U5 subunit 200; minus strand). Cytogenetic location: 2q11.2.
Variant type: single nucleotide variant.
Coding change: c.4133A>G on transcript NM_014014.5 (MANE Select); coding-DNA position 4133, A replaced by G.
Protein change: p.Tyr1378Cys; replaces tyrosine 1378 with cysteine.
Molecular consequence: missense variant.
Genome position (GRCh38, 1-based): chr2:96,285,211, T>C on the plus strand (A>G on the coding strand, the complement: SNRNP200 is on the minus strand). VCF-style: chr2-96285211-T-C. GRCh37 (hg19) VCF-style: chr2-96950949-T-C.
Other names: short protein forms Y1378C.
Identifiers: ClinVar variation 1386872 (VCV001386872.6), dbSNP rs2104342310, ClinGen allele CA347668838.